The following is an entry in ClinVar:

NM_005219.5(DIAPH1):c.2492A>G (p.Asp831Gly)

Gene: DIAPH1 (diaphanous related formin 1; minus strand). Cytogenetic location: 5q31.3.
Variant type: single nucleotide variant.
Coding change: c.2492A>G on transcript NM_005219.5 (MANE Select); coding-DNA position 2492, A replaced by G.
Protein change: p.Asp831Gly; replaces aspartic acid 831 with glycine.
Molecular consequence: missense variant.
Genome position (GRCh38, 1-based): chr5:141,534,424, T>C on the plus strand (A>G on the coding strand, the complement: DIAPH1 is on the minus strand). VCF-style: chr5-141534424-T-C. GRCh37 (hg19) VCF-style: chr5-140913991-T-C.
Other names: c.2465A>G, p.Asp822Gly (NM_001079812.3); c.2492A>G, p.Asp831Gly (NM_001314007.2); short protein forms D822G, D831G.
Identifiers: ClinVar variation 2583032 (VCV002583032.28), dbSNP rs762735377, ClinGen allele CA3479024.

ClinVar aggregate classification (germline): Uncertain significance. Review status: criteria provided, multiple submitters, no conflicts (2 of 4 stars). 2 submissions from 2 submitters: Uncertain significance (2). Last evaluated 2024-04-09.

Conditions:
Autosomal dominant nonsyndromic hearing loss 1. Also called: KONIGSMARK SYNDROME; DEAFNESS, AUTOSOMAL DOMINANT 1, WITH OR WITHOUT THROMBOCYTOPENIA. Identifiers: Orphanet 90635, MedGen C1852282, MONDO:0007424, OMIM 124900.
Progressive microcephaly-seizures-cortical blindness-developmental delay syndrome. Also called: Seizures, cortical blindness, and microcephaly syndrome. Identifiers: Orphanet 477814, MedGen C5567650, MONDO:0014714, OMIM 616632.

Allele frequency attached by ClinVar (database versions not stated): gnomAD exomes below 0.00001; ExAC 0.00001.
gnomAD v4.1: 1 of 1,613,546 alleles (0.000062%); highest among the groups gnomAD compares: Non-Finnish European, 0.000085%; no homozygotes.

Submissions (2):

Labcorp Genetics (formerly Invitae), Labcorp
Classification: Uncertain significance for Progressive microcephaly-seizures-cortical blindness-developmental delay syndrome; Autosomal dominant nonsyndromic hearing loss 1. Last evaluated: 2024-04-09. Review status: criteria provided, single submitter. Criteria: Invitae Variant Classification Sherloc (09022015). Collection method: clinical testing. Allele origin: germline.
Comment: This sequence change replaces aspartic acid, which is acidic and polar, with glycine, which is neutral and non-polar, at codon 831 of the DIAPH1 protein (p.Asp831Gly). This variant is present in population databases (rs762735377, gnomAD 0.0009%). This variant has not been reported in the literature in individuals affected with DIAPH1-related conditions. ClinVar contains an entry for this variant (Variation ID: 2583032). An algorithm developed to predict the effect of missense changes on protein structure and function (PolyPhen-2) suggests that this variant is likely to be tolerated. In summary, the available evidence is currently insufficient to determine the role of this variant in disease. Therefore, it has been classified as a Variant of Uncertain Significance.

CeGaT Center for Human Genetics Tuebingen
Classification: Uncertain significance. Last evaluated: 2023-09-01. Review status: criteria provided, single submitter. Criteria: CeGaT Center For Human Genetics Tuebingen Variant Classification Criteria Version 2. Collection method: clinical testing. Allele origin: germline. Affected: yes. Observed: 1 variant allele.
Comment: DIAPH1: PM2